The following is an entry in ClinVar:

ClinVar aggregate classification (germline): Uncertain significance (1 of 4 stars; one submission).

Allele frequency attached by ClinVar (database versions not stated): ExAC 0.00003.

Submission:

Labcorp Genetics (formerly Invitae), Labcorp
Classification: Uncertain significance. Last evaluated: 2025-08-10. Review status: criteria provided, single submitter. Criteria: Invitae Variant Classification Sherloc (09022015). Collection method: clinical testing. Allele origin: germline.
Comment: This sequence change replaces threonine, which is neutral and polar, with methionine, which is neutral and non-polar, at codon 122 of the EPHB4 protein (p.Thr122Met). This variant is present in population databases (rs768550178, gnomAD 0.003%). This variant has not been reported in the literature in individuals affected with EPHB4-related conditions. ClinVar contains an entry for this variant (Variation ID: 2986752). Invitae Evidence Modeling of protein sequence and biophysical properties (such as structural, functional, and spatial information, amino acid conservation, physicochemical variation, residue mobility, and thermodynamic stability) indicates that this missense variant is not expected to disrupt EPHB4 protein function with a negative predictive value of 95%. In summary, the available evidence is currently insufficient to determine the role of this variant in disease. Therefore, it has been classified as a Variant of Uncertain Significance.

NM_004444.5(EPHB4):c.365C>T (p.Thr122Met)

Gene: EPHB4 (EPH receptor B4; minus strand). Cytogenetic location: 7q22.1.
Variant type: single nucleotide variant.
Coding change: c.365C>T on transcript NM_004444.5 (MANE Select); coding-DNA position 365, C replaced by T.
Protein change: p.Thr122Met; replaces threonine 122 with methionine.
Molecular consequence: missense variant.
Genome position (GRCh38, 1-based): chr7:100,823,690, G>A on the plus strand (C>T on the coding strand, the complement: EPHB4 is on the minus strand). VCF-style: chr7-100823690-G-A. GRCh37 (hg19) VCF-style: chr7-100421312-G-A.
Other names: short protein forms T122M.
Identifiers: ClinVar variation 2986752 (VCV002986752.3), dbSNP rs768550178, ClinGen allele CA4393326.